The following is an entry in ClinVar:

NM_133510.4(RAD51B):c.995C>T (p.Ser332Leu)

Gene: RAD51B (RAD51 paralog B; plus strand). Cytogenetic location: 14q24.1.
Variant type: single nucleotide variant.
Coding change: c.995C>T on transcript NM_133510.4 (MANE Select); coding-DNA position 995, C replaced by T.
Protein change: p.Ser332Leu; replaces serine 332 with leucine.
Molecular consequence: missense variant.
Genome position (GRCh38, 1-based): chr14:68,468,209, C>T. VCF-style: chr14-68468209-C-T. GRCh37 (hg19) VCF-style: chr14-68934926-C-T.
Other names: c.995C>T, p.Ser332Leu (NM_001321809.2, NM_001321810.2, NM_001321812.1 and 6 more transcripts); c.881C>T, p.Ser294Leu (NM_001321815.1); c.638C>T, p.Ser213Leu (NM_001321817.2); short protein forms S213L, S294L, S332L.
Identifiers: ClinVar variation 4862904 (VCV004862904.1).

ClinVar aggregate classification (germline): Uncertain significance (1 of 4 stars; one submission).

Submission:

Ambry Genetics
Classification: Uncertain significance. Last evaluated: 2026-05-04. Review status: criteria provided, single submitter. Criteria: Ambry Variant Classification Scheme 2023. Collection method: clinical testing. Allele origin: germline.
Comment: The p.S332L variant (also known as c.995C>T), located in coding exon 9 of the RAD51B gene, results from a C to T substitution at nucleotide position 995. The serine at codon 332 is replaced by leucine, an amino acid with dissimilar properties. This amino acid position is conserved. In addition, this alteration is predicted to be tolerated by in silico analysis. Based on the available evidence, the clinical significance of this variant remains unclear.